The following is an entry in ClinVar:

NM_001042492.3(NF1):c.6279C>T (p.Ser2093=)

Gene: NF1 (neurofibromin 1; plus strand). Cytogenetic location: 17q11.2.
Variant type: single nucleotide variant.
Coding change: c.6279C>T on transcript NM_001042492.3 (MANE Select); coding-DNA position 6279, C replaced by T.
Protein change: p.Ser2093=; no amino-acid change (serine 2093 retained).
Molecular consequence: synonymous variant.
Genome position (GRCh38, 1-based): chr17:31,336,766, C>T. VCF-style: chr17-31336766-C-T. GRCh37 (hg19) VCF-style: chr17-29663784-C-T.
Other names: c.6216C>T, p.Ser2072= (NM_000267.4).
Identifiers: ClinVar variation 413032 (VCV000413032.19), dbSNP rs1055695069, ClinGen allele CA16615282.
Genomic context (GRCh38, chr17:31,336,766, plus strand): 5'-TATGTGGGATGATATTGCTATTTTAGCACGCTACATGCTGATGCTGTCCTTCAACAATTC[C>T]CTTGATGTGGCAGCTCATCTTCCCTACCTCTTCCACGTTGTTACTTTCTTAGTAGCCACA-3'
Protein context (NP_001035957.1, residues 2083-2103): RYMLMLSFNN[Ser2093=]LDVAAHLPYL

ClinVar aggregate classification (germline): Benign/Likely benign. Review status: criteria provided, multiple submitters, no conflicts (2 of 4 stars). 6 submissions from 6 submitters: Benign (1); Likely benign (4). 1 of the submissions does not count toward it. Last evaluated 2026-05-21.

Conditions:
Cardiovascular phenotype. Identifiers: MedGen CN230736.
Hereditary cancer-predisposing syndrome. Also called: Neoplastic Syndromes, Hereditary; Tumor predisposition; Hereditary Cancer Syndrome; Hereditary neoplastic syndrome. Identifiers: Orphanet 140162, MedGen C0027672, MeSH D009386, MONDO:0015356.
NF1-related disorder. Also called: NF1-related condition. Identifiers: MedGen CN379171.
Neurofibromatosis, type 1 (NF1). Also called: VON RECKLINGHAUSEN DISEASE; NEUROFIBROMATOSIS, TYPE I, SOMATIC; Peripheral type neurofibromatosis; Neurofibromatosis, type I. Identifiers: Orphanet 636, MedGen C0027831, MONDO:0018975, OMIM 162200. Disease mechanism: loss of function.

Allele frequency attached by ClinVar (database versions not stated): gnomAD exomes below 0.00001; gnomAD 0.00001.
gnomAD v4.1: 2 of 1,613,934 alleles (0.00012%); highest among the groups gnomAD compares: Admixed American, 0.0017%; no homozygotes.

Submissions (6):

Myriad Genetics, Inc.
Classification: Benign for Neurofibromatosis, type 1. Last evaluated: 2026-05-21. Review status: criteria provided, single submitter. Criteria: Myriad Autosomal Dominant, Autosomal Recessive and X-Linked Classification Criteria (2023). Collection method: clinical testing. Allele origin: unknown.
Comment: This variant is considered benign. This variant is a silent/synonymous amino acid change and it is not expected to impact splicing.

Labcorp Genetics (formerly Invitae), Labcorp
Classification: Likely benign for Neurofibromatosis, type 1. Last evaluated: 2025-12-05. Review status: criteria provided, single submitter. Criteria: Invitae Variant Classification Sherloc (09022015). Collection method: clinical testing. Allele origin: germline.

Blueprint Genetics
Classification: Likely benign. Last evaluated: 2024-06-27. Review status: criteria provided, single submitter. Criteria: ACMG Guidelines, 2015. Collection method: clinical testing. Allele origin: germline.

Genome-Nilou Lab
Classification: Likely benign for Neurofibromatosis, type 1. Last evaluated: 2022-03-15. Review status: criteria provided, single submitter. Criteria: ACMG Guidelines, 2015. Collection method: clinical testing. Allele origin: germline. Affected: no.

Ambry Genetics
Classification: Likely benign for Cardiovascular phenotype; Hereditary cancer-predisposing syndrome. Last evaluated: 2016-05-03. Review status: criteria provided, single submitter. Criteria: Ambry Variant Classification Scheme 2023. Collection method: clinical testing. Allele origin: germline.

PreventionGenetics, part of Exact Sciences
Classification: Likely benign for NF1-related condition. Last evaluated: 2023-07-13. Review status: no assertion criteria provided. Collection method: clinical testing. Allele origin: germline. Not counted in ClinVar's aggregate classification.
Comment: This variant is classified as likely benign based on ACMG/AMP sequence variant interpretation guidelines (Richards et al. 2015 PMID: 25741868, with internal and published modifications).